The following is an entry in ClinVar:

ClinVar aggregate classification (germline): Uncertain significance (1 of 4 stars; one submission).

Allele frequency attached by ClinVar (database versions not stated): gnomAD exomes 0.00001.
gnomAD v4.1: 3 of 1,614,140 alleles (0.00019%); highest among the groups gnomAD compares: Non-Finnish European, 0.00025%; no homozygotes.

Submission:

CeGaT Center for Human Genetics Tuebingen
Classification: Uncertain significance. Last evaluated: 2024-05-01. Review status: criteria provided, single submitter. Criteria: CeGaT Center For Human Genetics Tuebingen Variant Classification Criteria Version 2. Collection method: clinical testing. Allele origin: germline. Affected: yes. Observed: 1 variant allele.
Comment: MIPEP: PM2

NM_005932.4(MIPEP):c.1930A>G (p.Met644Val)

Gene: MIPEP (mitochondrial intermediate peptidase; minus strand). Cytogenetic location: 13q12.12.
Variant type: single nucleotide variant.
Coding change: c.1930A>G on transcript NM_005932.4 (MANE Select); coding-DNA position 1930, A replaced by G.
Protein change: p.Met644Val; replaces methionine 644 with valine.
Molecular consequence: missense variant.
Genome position (GRCh38, 1-based): chr13:23,760,136, T>C on the plus strand (A>G on the coding strand, the complement: MIPEP is on the minus strand). VCF-style: chr13-23760136-T-C. GRCh37 (hg19) VCF-style: chr13-24334275-T-C.
Other names: short protein forms M644V.
Identifiers: ClinVar variation 3239463 (VCV003239463.19), dbSNP rs2547644920.
Genomic context (GRCh38, chr13:23,760,136, plus strand): 5'-TTTAGAACTTACCCCCTTACCTGTTGAAAGGATCCTGTAGAAAACACTCCTTCCAAACCA[T>C]GGAGGCGACCGCTCTGGACATGAGGTAAGAGTAATATCTAGCACCATACCCCACGAGGTG-3'
Protein context (NP_005923.3, residues 634-654): SYLMSRAVAS[Met644Val]VWKECFLQDP